The following is an entry in ClinVar:

NM_001042750.2(STAG2):c.3563A>G (p.Asn1188Ser)

Gene: STAG2 (STAG2 cohesin complex component; plus strand). Cytogenetic location: Xq25.
Variant type: single nucleotide variant.
Coding change: c.3563A>G on transcript NM_001042750.2 (MANE Select); coding-DNA position 3563, A replaced by G.
Protein change: p.Asn1188Ser; replaces asparagine 1188 with serine.
Molecular consequence: missense variant. On other transcripts: intron variant (8).
Genome position (GRCh38, 1-based): chrX:124,090,949, A>G. VCF-style: chrX-124090949-A-G. GRCh37 (hg19) VCF-style: chrX-123224799-A-G.
Other names: c.3563A>G, p.Asn1188Ser (NM_001042749.2, NM_001375366.1, NM_001375367.1 and 5 more transcripts); c.3467+185A>G (NM_001375373.1, NM_001375374.1, NM_001282418.2 and 5 more transcripts); short protein forms N1188S.
Identifiers: ClinVar variation 2845866 (VCV002845866.3), dbSNP rs2522482890, ClinGen allele CA414282069.

ClinVar aggregate classification (germline): Uncertain significance (1 of 4 stars; one submission).

Allele frequency attached by ClinVar (database versions not stated): gnomAD exomes below 0.00001.

Submission:

Labcorp Genetics (formerly Invitae), Labcorp
Classification: Uncertain significance. Last evaluated: 2023-03-14. Review status: criteria provided, single submitter. Criteria: Invitae Variant Classification Sherloc (09022015). Collection method: clinical testing. Allele origin: germline.
Comment: In summary, the available evidence is currently insufficient to determine the role of this variant in disease. Therefore, it has been classified as a Variant of Uncertain Significance. Algorithms developed to predict the effect of sequence changes on RNA splicing suggest that this variant may disrupt the consensus splice site. An algorithm developed to predict the effect of missense changes on protein structure and function (PolyPhen-2) suggests that this variant is likely to be tolerated. This variant has not been reported in the literature in individuals affected with STAG2-related conditions. This variant is not present in population databases (gnomAD no frequency). This sequence change replaces asparagine, which is neutral and polar, with serine, which is neutral and polar, at codon 1188 of the STAG2 protein (p.Asn1188Ser).